The following is an entry in ClinVar:

ClinVar aggregate classification (germline): Uncertain significance (1 of 4 stars; one submission).

Conditions:
Bardet-Biedl syndrome (BBS). Identifiers: Orphanet 110, MedGen C0752166, MONDO:0015229.

Submission:

Labcorp Genetics (formerly Invitae), Labcorp
Classification: Uncertain significance for Bardet-Biedl syndrome. Last evaluated: 2022-03-10. Review status: criteria provided, single submitter. Criteria: Invitae Variant Classification Sherloc (09022015). Collection method: clinical testing. Allele origin: germline.
Comment: This sequence change replaces leucine, which is neutral and non-polar, with proline, which is neutral and non-polar, at codon 244 of the BBS1 protein (p.Leu244Pro). In summary, the available evidence is currently insufficient to determine the role of this variant in disease. Therefore, it has been classified as a Variant of Uncertain Significance. Algorithms developed to predict the effect of missense changes on protein structure and function are either unavailable or do not agree on the potential impact of this missense change (SIFT: "Deleterious"; PolyPhen-2: "Probably Damaging"; Align-GVGD: "Class C0"). This variant has not been reported in the literature in individuals affected with BBS1-related conditions. This variant is not present in population databases (gnomAD no frequency).

NM_024649.5(BBS1):c.731T>C (p.Leu244Pro)

Genes: BBS1 (Bardet-Biedl syndrome 1; plus strand), ZDHHC24 (zDHHC palmitoyltransferase 24; minus strand). Cytogenetic location: 11q13.2.
Variant type: single nucleotide variant.
Coding change: c.731T>C on transcript NM_024649.5 (MANE Select); coding-DNA position 731, T replaced by C.
Protein change: p.Leu244Pro; replaces leucine 244 with proline.
Molecular consequence: missense variant. On other transcripts: 3 prime UTR variant (1).
Genome position (GRCh38, 1-based): chr11:66,521,277, T>C. VCF-style: chr11-66521277-T-C. GRCh37 (hg19) VCF-style: chr11-66288748-T-C.
Other names: c.*211A>G (NM_001348571.2); short protein forms L244P.
Identifiers: ClinVar variation 1421562 (VCV001421562.9), dbSNP rs2134784436, ClinGen allele CA381459215.